The following is an entry in ClinVar:

ClinVar aggregate classification (germline): Pathogenic (0 of 4 stars; one submission).

Conditions:
Pyruvate dehydrogenase E1-alpha deficiency (PDHAD). Also called: ATAXIA, INTERMITTENT, WITH PYRUVATE DEHYDROGENASE DEFICIENCY; ATAXIA WITH LACTIC ACIDOSIS I; ATAXIA, INTERMITTENT, WITH ABNORMAL PYRUVATE METABOLISM; Ataxia, intermittent, with pyruvate dehydrogenase, or decarboxylase, deficiency. Identifiers: Orphanet 79243, MedGen C1839413, MONDO:0010717, OMIM 312170.

Submission:

PDHA1 Study Group, University Children’s Hospital, Paracelsus Medical University
Classification: Pathogenic for Pyruvate dehydrogenase E1-alpha deficiency. Last evaluated: 2024-10-15. Review status: no assertion criteria provided. Collection method: research. Allele origin: de novo. Affected: yes. Observed: 1 variant allele.
Comment: The NM_000284.3:c.757A>G (p.Arg253Gly) substitution is a missense variant in PDHA1 gene. Among them, 1 case had confirmed de novo occurrence. The variant has been reported in 1 published case (PMIDs: 18398624). Last literature search: July 12, 2024. This variant is absent or extremely rare in population-based cohorts in the Genome Aggregation Database (gnomAD). Individuals harboring this variant presented with clinical features compatible with PDHA1-related PDHc deficiency. In summary, this variant meets criteria to be classified as pathogenic (P) for PDHA1-related PDHc deficiency based on the ACMG/AMP criteria applied: PS3, PM1, PM2, PM7, PP3 (last assessment October 15, 2024).

Literature cited by the submitters: PubMed 18398624; DOI 10.1093/brain/awaf430.

NM_000284.4(PDHA1):c.757A>G (p.Arg253Gly)

Gene: PDHA1 (pyruvate dehydrogenase E1 subunit alpha 1; plus strand). Cytogenetic location: Xp22.12.
Variant type: single nucleotide variant.
Coding change: c.757A>G on transcript NM_000284.4 (MANE Select); coding-DNA position 757, A replaced by G.
Protein change: p.Arg253Gly; replaces arginine 253 with glycine.
Molecular consequence: missense variant.
Genome position (GRCh38, 1-based): chrX:19,355,502, A>G. VCF-style: chrX-19355502-A-G. GRCh37 (hg19) VCF-style: chrX-19373620-A-G.
Other names: c.871A>G, p.Arg291Gly (NM_001173454.2); c.778A>G, p.Arg260Gly (NM_001173455.2); c.664A>G, p.Arg222Gly (NM_001173456.2); short protein forms R222G, R253G, R260G, R291G.
Identifiers: ClinVar variation 4070366 (VCV004070366.1).